The following is an entry in ClinVar:

ClinVar aggregate classification (germline): Conflicting classifications of pathogenicity. Review status: criteria provided, conflicting classifications (1 of 4 stars). 3 submissions from 3 submitters: Uncertain significance (1); Likely benign (2). Last evaluated 2025-11-26.

Conditions:
Hereditary cancer-predisposing syndrome. Also called: Hereditary neoplastic syndrome; Hereditary Cancer Syndrome; Neoplastic Syndromes, Hereditary; Tumor predisposition. Identifiers: Orphanet 140162, MedGen C0027672, MeSH D009386, MONDO:0015356.
Hereditary breast ovarian cancer syndrome. Also called: BRCA1- and BRCA2-Associated Hereditary Breast and Ovarian Cancer; Hereditary breast and ovarian cancer syndrome; Hereditary breast and ovarian cancer; Hereditary breast and ovarian cancer syndrome (HBOC); Breast and ovarian cancer; Hereditary breast and/or ovarian cancer syndrome. Identifiers: Orphanet 145, MedGen C0677776, MeSH D061325, MONDO:0003582. Disease mechanism: loss of function.

Submissions (3):

Ambry Genetics
Classification: Uncertain significance for Hereditary cancer-predisposing syndrome. Last evaluated: 2025-11-26. Review status: criteria provided, single submitter. Criteria: Ambry Variant Classification Scheme 2023. Collection method: clinical testing. Allele origin: germline.
Comment: The p.S2072T variant (also known as c.6214T>A), located in coding exon 10 of the BRCA2 gene, results from a T to A substitution at nucleotide position 6214. The serine at codon 2072 is replaced by threonine, an amino acid with similar properties. This amino acid position is poorly conserved in available vertebrate species. In addition, the in silico prediction for this alteration is inconclusive. Based on the available evidence, the clinical significance of this variant remains unclear.

Labcorp Genetics (formerly Invitae), Labcorp
Classification: Likely benign for Hereditary breast ovarian cancer syndrome. Last evaluated: 2023-07-07. Review status: criteria provided, single submitter. Criteria: Invitae Variant Classification Sherloc (09022015). Collection method: clinical testing. Allele origin: germline.

University of Washington Department of Laboratory Medicine, University of Washington
Classification: Likely benign for Hereditary cancer-predisposing syndrome. Last evaluated: 2023-03-23. Review status: criteria provided, single submitter. Criteria: Dines et al. (Genet Med. 2020). Collection method: curation. Allele origin: germline.
Comment: Missense variant in a coldspot region where missense variants are very unlikely to be pathogenic (PMID:31911673).

BRCA2 exon 11 coldspot. Reclassification based on statistical prior probability.

NM_000059.4(BRCA2):c.6214T>A (p.Ser2072Thr)

Gene: BRCA2 (BRCA2 DNA repair associated; plus strand). Cytogenetic location: 13q13.1.
Variant type: single nucleotide variant.
Coding change: c.6214T>A on transcript NM_000059.4 (MANE Select); coding-DNA position 6214, T replaced by A.
Protein change: p.Ser2072Thr; replaces serine 2072 with threonine.
Molecular consequence: missense variant.
Genome position (GRCh38, 1-based): chr13:32,340,569, T>A. VCF-style: chr13-32340569-T-A. GRCh37 (hg19) VCF-style: chr13-32914706-T-A.
Other names: short protein forms S2072T.
Identifiers: ClinVar variation 236887 (VCV000236887.11), dbSNP rs878853594, ClinGen allele CA10583117.